The following is an entry in ClinVar:

ClinVar aggregate classification (germline): Conflicting classifications of pathogenicity. Review status: criteria provided, conflicting classifications (1 of 4 stars). 11 submissions from 11 submitters: Uncertain significance (9); Likely benign (2). Last evaluated 2026-05-04.

Conditions:
Cardiovascular phenotype. Identifiers: MedGen CN230736.
Keratosis palmoplantaris striata 2. Also called: Keratosis palmoplantaris striata II; KERATODERMA, PALMOPLANTAR, STRIATE FORM II; STRIATE PALMOPLANTAR KERATODERMA II. Identifiers: MedGen C1852127, MONDO:0013034, OMIM 612908.
Arrhythmogenic right ventricular dysplasia 8 (ARVD8). Also called: ARRHYTHMOGENIC RIGHT VENTRICULAR DYSPLASIA, FAMILIAL, 8; ARRHYTHMOGENIC RIGHT VENTRICULAR CARDIOMYOPATHY 8; Arrhythmogenic Right Ventricular Dysplasia/Cardiomyopathy 8. Identifiers: MedGen C1843896, MONDO:0011831, OMIM 607450.
Cardiomyopathy, dilated, with wooly hair, keratoderma, and tooth agenesis. Also called: Cardiomyopathy, dilated, with woolly hair, keratoderma, and tooth agenesis; Erythrokeratodermia-cardiomyopathy syndrome. Identifiers: Orphanet 476096, Orphanet 65282, MedGen C4014393, MONDO:0014355, OMIM 615821.
Woolly hair-skin fragility syndrome (WHSF). Identifiers: Orphanet 293165, MedGen C1843292, MONDO:0957307, OMIM 620415.
Lethal acantholytic epidermolysis bullosa (EBLA). Identifiers: Orphanet 158687, MedGen C1864826, MONDO:0012323, OMIM 609638.
Arrhythmogenic cardiomyopathy with wooly hair and keratoderma. Also called: Arrhythmogenic cardiomyopathy with woolly hair and keratoderma; Carvajal syndrome; Dilated cardiomyopathy with woolly hair and keratoderma; PALMOPLANTAR KERATODERMA WITH LEFT VENTRICULAR CARDIOMYOPATHY AND WOOLLY HAIR. Identifiers: Orphanet 65282, MedGen C1854063, MONDO:0011581, OMIM 605676.
Cardiomyopathy (CMYO). Also called: Cardiomyopathies. Identifiers: Orphanet 167848, MedGen C0878544, MONDO:0004994, HP:0001638. Inheritance: Various modes of inheritance.

Allele frequency attached by ClinVar (database versions not stated): ExAC 0.00003; gnomAD exomes 0.00006 and 0.00014; TOPMed 0.00009; gnomAD 0.00013; ESP Exome Variant Server 0.00015.
gnomAD v4.1: 203 of 1,614,108 alleles (0.013%); highest among the groups gnomAD compares: Non-Finnish European, 0.017%; 1 homozygote.

Submissions (11):

Women's Health and Genetics/Laboratory Corporation of America, LabCorp
Classification: Uncertain significance. Last evaluated: 2026-05-04. Review status: criteria provided, single submitter. Criteria: LabCorp Variant Classification Summary - May 2015. Collection method: clinical testing. Allele origin: germline.
Comment: Variant summary: DSP c.2552T>A (p.Leu851Gln) results in a non-conservative amino acid change in the encoded protein sequence. Algorithms developed to predict the effect of missense changes on protein structure and function are either unavailable or do not agree on the potential impact of this missense change. The variant allele was found at a frequency of 5.6e-05 in 251432 control chromosomes (gnomAD). This frequency is not significantly higher than estimated for disease-causing variants in DSP, allowing no conclusion about variant significance. c.2552T>A has been observed in individuals affected with sudden cardiac death (e.g. Bagnall_2016, Kotta_2023). These reports do not provide unequivocal conclusions about association of the variant with Arrhythmogenic Right Ventricular Dysplasia/Cardiomyopathy. To our knowledge, no experimental evidence demonstrating an impact on protein function has been reported. The following publications have been ascertained in the context of this evaluation (PMID: 27332903, 37589201, 37702310). ClinVar contains an entry for this variant (Variation ID: 199870). Based on the evidence outlined above, the variant was classified as uncertain significance.

Labcorp Genetics (formerly Invitae), Labcorp
Classification: Likely benign for Arrhythmogenic cardiomyopathy with wooly hair and keratoderma; Arrhythmogenic right ventricular dysplasia 8. Last evaluated: 2026-01-12. Review status: criteria provided, single submitter. Criteria: Invitae Variant Classification Sherloc (09022015). Collection method: clinical testing. Allele origin: germline.

GeneDx
Classification: Uncertain significance. Last evaluated: 2025-10-31. Review status: criteria provided, single submitter. Criteria: GeneDx Variant Classification Process June 2021. Collection method: clinical testing. Allele origin: germline. Affected: yes.
Comment: In silico analysis supports that this missense variant has a deleterious effect on protein structure/function; This variant is associated with the following publications: (PMID: 37589201, 27332903)

Ambry Genetics
Classification: Uncertain significance for Cardiovascular phenotype. Last evaluated: 2024-08-20. Review status: criteria provided, single submitter. Criteria: Ambry Variant Classification Scheme 2023. Collection method: clinical testing. Allele origin: germline.
Comment: The p.L851Q variant (also known as c.2552T>A), located in coding exon 18 of the DSP gene, results from a T to A substitution at nucleotide position 2552. The leucine at codon 851 is replaced by glutamine, an amino acid with dissimilar properties. This variant was identified in one individual with sudden unexplained cardiac death (Bagnall RD et al. N. Engl. J. Med., 2016 Jun;374:2441-52). This amino acid position is not well conserved in available vertebrate species. In addition, this alteration is predicted to be tolerated by in silico analysis. Since supporting evidence is limited at this time, the clinical significance of this alteration remains unclear.

Mayo Clinic Laboratories, Mayo Clinic
Classification: Uncertain significance. Last evaluated: 2024-06-13. Review status: criteria provided, single submitter. Criteria: ACMG Guidelines, 2015. Collection method: clinical testing. Allele origin: germline. Observed: 1 variant allele.
Comment: BP4

Blueprint Genetics
Classification: Likely benign. Last evaluated: 2024-05-15. Review status: criteria provided, single submitter. Criteria: ACMG Guidelines, 2015. Collection method: clinical testing. Allele origin: germline.

All of Us Research Program, National Institutes of Health
Classification: Uncertain significance for Arrhythmogenic cardiomyopathy with wooly hair and keratoderma. Last evaluated: 2024-04-25. Review status: criteria provided, single submitter. Criteria: ACMG Guidelines, 2015. Collection method: clinical testing. Allele origin: germline. Inheritance: Autosomal dominant inheritance. Observed: 24 variant alleles, 24 heterozygotes.
Comment: This missense variant replaces leucine with glutamine at codon 851 of the DSP protein. Computational prediction tools indicate that this variant has a neutral impact on protein structure and function. To our knowledge, functional studies have not been reported for this variant. This variant has been reported in one individual with affected with unexplained sudden cardiac death (PMID: 27332903) and in one infant affected with sudden death (PMID: 37589201). This variant has been identified in 18/282826 chromosomes in the general population by the Genome Aggregation Database (gnomAD). The available evidence is insufficient to determine the role of this variant in disease conclusively. Therefore, this variant is classified as a Variant of Uncertain Significance.

This study involves interpretation of variants in research participants for the purpose of population health screening. Participant phenotype was not available at the time of variant classification. Additional details can be found in publication PMID: 35346344, PMCID: PMC8962531

Color Diagnostics, LLC DBA Color Health
Classification: Uncertain significance for Cardiomyopathy. Last evaluated: 2024-02-12. Review status: criteria provided, single submitter. Criteria: ACMG Guidelines, 2015. Collection method: clinical testing. Allele origin: germline.
Comment: This missense variant replaces leucine with glutamine at codon 851 of the DSP protein. Computational prediction tools indicate that this variant has a neutral impact on protein structure and function. To our knowledge, functional studies have not been reported for this variant. This variant has been reported in one individual with affected with unexplained sudden cardiac death (PMID: 27332903) and in one infant affected with sudden death (PMID: 37589201). This variant has been identified in 18/282826 chromosomes in the general population by the Genome Aggregation Database (gnomAD). The available evidence is insufficient to determine the role of this variant in disease conclusively. Therefore, this variant is classified as a Variant of Uncertain Significance.

Fulgent Genetics
Classification: Uncertain significance for Arrhythmogenic cardiomyopathy with wooly hair and keratoderma; Arrhythmogenic right ventricular dysplasia 8; Lethal acantholytic epidermolysis bullosa; Keratosis palmoplantaris striata 2; Cardiomyopathy, dilated, with wooly hair, keratoderma, and tooth agenesis. Last evaluated: 2021-08-12. Review status: criteria provided, single submitter. Criteria: ACMG Guidelines, 2015. Collection method: clinical testing. Allele origin: unknown.

Victorian Clinical Genetics Services, Murdoch Childrens Research Institute
Classification: Uncertain significance for Cardiomyopathy. Last evaluated: 2020-06-11. Review status: criteria provided, single submitter. Criteria: ACMG Guidelines, 2015. Collection method: clinical testing. Allele origin: germline.
Comment: Based on the classification scheme VCGS_Germline_v1.3.3, this variant is classified as 3B-VUS. Following criteria are met: 0102 - Loss of function is a known mechanism of disease in this gene and is associated with both keratinisation disorders and ARVC (PMID: 26604139, PMID: 16917092). (I) 0108 - This gene is associated with both recessive and dominant disease. (I) 0112 - The condition associated with this gene has incomplete penetrance. Incomplete (age-dependent) penetrance has been reported for ARVC (PMID: 29062697). (I) 0200 - Variant is predicted to result in a missense amino acid change from leucine to glutamine. (I) 0251 - This variant is heterozygous. (I) 0302 - Variant is present in gnomAD (v2) <0.001 for a dominant condition (18 heterozygotes, 0 homozygotes). (SP) 0502 - Missense variant with conflicting in silico predictions and uninformative conservation. (I) 0600 - Variant is located in the annotated spectrin 6 domain (UniProt). (I) 0705 - No comparable missense variants have previous evidence for pathogenicity. (I) 0809 - Previous evidence of pathogenicity for this variant is inconclusive. Variant has four VUS entries in ClinVar. (I) 0905 - No published segregation evidence has been identified for this variant. (I) 1007 - No published functional evidence has been identified for this variant. (I) 1208 - Inheritance information for this variant is not currently available in this individual. (I) Legend: (SP) - Supporting pathogenic, (I) - Information, (SB) - Supporting benign

CHEO Genetics Diagnostic Laboratory, Children's Hospital of Eastern Ontario
Classification: Uncertain significance for Cardiomyopathy. Last evaluated: 2017-02-28. Review status: criteria provided, single submitter. Criteria: ACMG Guidelines, 2015. Collection method: clinical testing. Allele origin: germline. Study: Canadian Open Genetics Repository.

Literature cited by the submitters: PubMed 27332903 (cited by 6 submitters); PubMed 37589201 (cited by 4 submitters); PubMed 37702310 (cited by Women's Health and Genetics/Laboratory Corporation of America, LabCorp); PubMed 16917092 (cited by Victorian Clinical Genetics Services, Murdoch Childrens Research Institute); PubMed 26604139 (cited by Victorian Clinical Genetics Services, Murdoch Childrens Research Institute); PubMed 29062697 (cited by Victorian Clinical Genetics Services, Murdoch Childrens Research Institute).

NM_004415.4(DSP):c.2552T>A (p.Leu851Gln)

Gene: DSP (desmoplakin; plus strand). Cytogenetic location: 6p24.3.
Variant type: single nucleotide variant.
Coding change: c.2552T>A on transcript NM_004415.4 (MANE Select); coding-DNA position 2552, T replaced by A.
Protein change: p.Leu851Gln; replaces leucine 851 with glutamine.
Molecular consequence: missense variant.
Genome position (GRCh38, 1-based): chr6:7,575,410, T>A. VCF-style: chr6-7575410-T-A. GRCh37 (hg19) VCF-style: chr6-7575643-T-A.
Other names: p.L851Q:CTG>CAG; p.Leu851Gln; c.2552T>A, p.Leu851Gln (NM_001008844.3, NM_001319034.2); c.2552T>A (LRG_423t1); short protein forms L851Q.
Identifiers: ClinVar variation 199870 (VCV000199870.33), dbSNP rs111368396, ClinGen allele CA005407.
Genomic context (GRCh38, chr6:7,575,410, plus strand): 5'-AACTACAGAAAGCCCAGCAGATCCACTCTCAGACTTCACAGCAGTATCCACTTTATGATC[T>A]GGACTTGGGCAAGTTCGGTGAAAAAGTCACACAGCTGACAGACCGCTGGCAAAGGATAGA-3'
Protein context (NP_004406.2, residues 841-861): QTSQQYPLYD[Leu851Gln]DLGKFGEKVT